The following is an entry in ClinVar:

NM_016169.4(SUFU):c.1079T>A (p.Leu360Gln)

Gene: SUFU (SUFU negative regulator of hedgehog signaling; plus strand). Cytogenetic location: 10q24.32.
Variant type: single nucleotide variant.
Coding change: c.1079T>A on transcript NM_016169.4 (MANE Select); coding-DNA position 1079, T replaced by A.
Protein change: p.Leu360Gln; replaces leucine 360 with glutamine.
Molecular consequence: missense variant.
Genome position (GRCh38, 1-based): chr10:102,615,324, T>A. VCF-style: chr10-102615324-T-A. GRCh37 (hg19) VCF-style: chr10-104375081-T-A.
Other names: c.1079T>A, p.Leu360Gln (NM_001178133.2); short protein forms L360Q.
Identifiers: ClinVar variation 2586923 (VCV002586923.2), dbSNP rs2492779104, ClinGen allele CA377914024.

ClinVar aggregate classification (germline): Uncertain significance (1 of 4 stars; one submission).

Conditions:
Hereditary cancer-predisposing syndrome. Also called: Hereditary neoplastic syndrome; Tumor predisposition; Hereditary Cancer Syndrome; Neoplastic Syndromes, Hereditary. Identifiers: Orphanet 140162, MedGen C0027672, MeSH D009386, MONDO:0015356.

Submission:

Ambry Genetics
Classification: Uncertain significance for Hereditary cancer-predisposing syndrome. Last evaluated: 2023-07-23. Review status: criteria provided, single submitter. Criteria: Ambry Variant Classification Scheme 2023. Collection method: clinical testing. Allele origin: germline.
Comment: The p.L360Q variant (also known as c.1079T>A), located in coding exon 9 of the SUFU gene, results from a T to A substitution at nucleotide position 1079. The leucine at codon 360 is replaced by glutamine, an amino acid with dissimilar properties. This amino acid position is conserved. In addition, this alteration is predicted to be deleterious by in silico analysis. Since supporting evidence is limited at this time, the clinical significance of this alteration remains unclear.